The following is an entry in ClinVar:

NM_015046.7(SETX):c.5315T>C (p.Phe1772Ser)

Gene: SETX (senataxin; minus strand). Cytogenetic location: 9q34.13.
Variant type: single nucleotide variant.
Coding change: c.5315T>C on transcript NM_015046.7 (MANE Select); coding-DNA position 5315, T replaced by C.
Protein change: p.Phe1772Ser; replaces phenylalanine 1772 with serine.
Molecular consequence: missense variant.
Genome position (GRCh38, 1-based): chr9:132,311,816, A>G on the plus strand (T>C on the coding strand, the complement: SETX is on the minus strand). VCF-style: chr9-132311816-A-G. GRCh37 (hg19) VCF-style: chr9-135187203-A-G.
Other names: c.5315T>C, p.Phe1772Ser (NM_001351527.2, NM_001351528.2); short protein forms F1772S.
Identifiers: ClinVar variation 365350 (VCV000365350.7), dbSNP rs886063552, ClinGen allele CA10632914.

ClinVar aggregate classification (germline): Uncertain significance. Review status: criteria provided, multiple submitters, no conflicts (2 of 4 stars). 4 submissions from 3 submitters: Uncertain significance (4). Last evaluated 2025-12-29.

Conditions:
Spinocerebellar ataxia, autosomal recessive, with axonal neuropathy 2 (SCAN2). Also called: ATAXIA-OCULOMOTOR APRAXIA 2; Ataxia-ocular apraxia-2; Ataxia with Oculomotor Apraxia; Ataxia with Oculomotor Apraxia Type 2. Identifiers: Orphanet 64753, MedGen C1853761, MONDO:0018996, OMIM 606002.
Amyotrophic lateral sclerosis type 4 (ALS4). Also called: AMYOTROPHIC LATERAL SCLEROSIS 4, JUVENILE; NEURONOPATHY, DISTAL HEREDITARY MOTOR, WITH PYRAMIDAL FEATURES. Identifiers: Orphanet 357043, MedGen C1865409, MONDO:0011223, OMIM 602433.
Inborn genetic diseases. Identifiers: MedGen C0950123, MeSH D030342.

Allele frequency attached by ClinVar (database versions not stated): gnomAD exomes below 0.00001.
gnomAD v4.1: 1 of 1,613,828 alleles (0.000062%); highest among the groups gnomAD compares: South Asian, 0.0011%; no homozygotes.

Submissions (4):

Ambry Genetics
Classification: Uncertain significance for Inborn genetic diseases. Last evaluated: 2025-12-29. Review status: criteria provided, single submitter. Criteria: Ambry Variant Classification Scheme 2023. Collection method: clinical testing. Allele origin: germline.

Labcorp Genetics (formerly Invitae), Labcorp
Classification: Uncertain significance for Amyotrophic lateral sclerosis type 4; Spinocerebellar ataxia, autosomal recessive, with axonal neuropathy 2. Last evaluated: 2025-02-18. Review status: criteria provided, single submitter. Criteria: Invitae Variant Classification Sherloc (09022015). Collection method: clinical testing. Allele origin: germline.
Comment: This sequence change replaces phenylalanine, which is neutral and non-polar, with serine, which is neutral and polar, at codon 1772 of the SETX protein (p.Phe1772Ser). This variant is not present in population databases (gnomAD no frequency). This variant has not been reported in the literature in individuals affected with SETX-related conditions. ClinVar contains an entry for this variant (Variation ID: 365350). Invitae Evidence Modeling of protein sequence and biophysical properties (such as structural, functional, and spatial information, amino acid conservation, physicochemical variation, residue mobility, and thermodynamic stability) indicates that this missense variant is not expected to disrupt SETX protein function with a negative predictive value of 95%. In summary, the available evidence is currently insufficient to determine the role of this variant in disease. Therefore, it has been classified as a Variant of Uncertain Significance.

Illumina Laboratory Services, Illumina
Classification: Uncertain significance for Amyotrophic lateral sclerosis type 4. Last evaluated: 2018-01-12. Review status: criteria provided, single submitter. Criteria: ICSL Variant Classification Criteria 13 December 2019. Collection method: clinical testing. Allele origin: germline.

Illumina Laboratory Services, Illumina
Classification: Uncertain significance for Spinocerebellar ataxia, autosomal recessive, with axonal neuropathy 2. Last evaluated: 2018-01-12. Review status: criteria provided, single submitter. Criteria: ICSL Variant Classification Criteria 13 December 2019. Collection method: clinical testing. Allele origin: germline.